The following is an entry in ClinVar:

ClinVar aggregate classification (germline): Pathogenic (1 of 4 stars; one submission).

Conditions:
Peroxisome biogenesis disorder. Identifiers: Orphanet 79189, MedGen C1832200, MONDO:0019234. Disease mechanism: loss of function.

Submission:

Labcorp Genetics (formerly Invitae), Labcorp
Classification: Pathogenic for Peroxisome biogenesis disorder. Last evaluated: 2021-08-15. Review status: criteria provided, single submitter. Criteria: Invitae Variant Classification Sherloc (09022015). Collection method: clinical testing. Allele origin: germline.
Comment: For these reasons, this variant has been classified as Pathogenic. This variant has not been reported in the literature in individuals affected with PEX6-related conditions. This variant is not present in population databases (ExAC no frequency). This sequence change creates a premature translational stop signal (p.Glu246Aspfs*104) in the PEX6 gene. It is expected to result in an absent or disrupted protein product. Loss-of-function variants in PEX6 are known to be pathogenic (PMID: 8670792, 19877282, 21031596).

Literature cited by the submitters: PubMed 8670792; PubMed 19877282; PubMed 21031596.

NM_000287.4(PEX6):c.738_741del (p.Glu246fs)

Gene: PEX6 (peroxisomal biogenesis factor 6; minus strand). Cytogenetic location: 6p21.1.
Variant type: Deletion.
Coding change: c.738_741del on transcript NM_000287.4 (MANE Select); coding-DNA positions 738 to 741, 4 bases deleted (ACCT; older notation c.738_741delACCT).
Protein change: p.Glu246fs; shifts the reading frame from glutamic acid 246.
Molecular consequence: frameshift variant. On other transcripts: non-coding transcript variant (1), intron variant (1).
Genome position (GRCh38, 1-based): chr6:42,978,410-42,978,413, AGGT deleted on the plus strand (ACCT on the coding strand, the reverse complement: PEX6 is on the minus strand). VCF-style (leftmost placement, unchanged base first): chr6-42978409-GAGGT-G. GRCh37 (hg19) VCF-style: chr6-42946147-GAGGT-G.
Other names: c.618+120_618+123del (NM_001316313.2); short protein forms E246fs.
Identifiers: ClinVar variation 1418343 (VCV001418343.6), dbSNP rs2150239487, ClinGen allele CA2573140784.
Genomic context (GRCh38, chr6:42,978,409, plus strand): 5'-CAGCGAGGGGCTCTCCCAGCGGTCCAGAGCCGGGTCCCAGTCTATCAGAGAGGTCCCAGC[GAGGT>G]TCTAGGACCTGCACCCTAGCCAAGTGCGGCTGTGAAGTGTTCGATGACTCTCTGGCCTGG-3'